The following is an entry in ClinVar:

ClinVar aggregate classification (germline): Likely benign. Review status: criteria provided, multiple submitters, no conflicts (2 of 4 stars). 3 submissions from 3 submitters: Likely benign (3). Last evaluated 2024-12-13.

Conditions:
Developmental and epileptic encephalopathy 94 (DEE94). Also called: CHD2-Related Neurodevelopmental Disorders; Epileptic encephalopathy, childhood-onset. Identifiers: Orphanet 1942, Orphanet 2382, MedGen C3809278, MONDO:0014150, OMIM 615369.
CHD2-related disorder. Also called: CHD2-related condition.

Allele frequency attached by ClinVar (database versions not stated): gnomAD exomes 0.00001; TOPMed 0.00002; gnomAD 0.00006.
gnomAD v4.1: 33 of 1,614,094 alleles (0.002%); highest among the groups gnomAD compares: Admixed American, 0.012%; no homozygotes.

Submissions (3):

PreventionGenetics, part of Exact Sciences
Classification: Likely benign for CHD2-related condition. Last evaluated: 2024-12-13. Review status: criteria provided, single submitter. Criteria: ACMG Guidelines, 2015. Collection method: clinical testing. Allele origin: germline.
Comment: This variant is classified as likely benign based on ACMG/AMP sequence variant interpretation guidelines (Richards et al. 2015 PMID: 25741868, with internal and published modifications).

Labcorp Genetics (formerly Invitae), Labcorp
Classification: Likely benign for Developmental and epileptic encephalopathy 94. Last evaluated: 2024-04-03. Review status: criteria provided, single submitter. Criteria: Invitae Variant Classification Sherloc (09022015). Collection method: clinical testing. Allele origin: germline.

GeneDx
Classification: Likely benign. Last evaluated: 2017-04-13. Review status: criteria provided, single submitter. Criteria: GeneDx Variant Classification (06012015). Collection method: clinical testing. Allele origin: germline. Affected: yes.
Comment: This variant is considered likely benign or benign based on one or more of the following criteria: it is a conservative change, it occurs at a poorly conserved position in the protein, it is predicted to be benign by multiple in silico algorithms, and/or has population frequency not consistent with disease.

NM_001271.4(CHD2):c.4968A>G (p.Pro1656=)

Gene: CHD2 (chromodomain helicase DNA binding protein 2; plus strand). Cytogenetic location: 15q26.1.
Variant type: single nucleotide variant.
Coding change: c.4968A>G on transcript NM_001271.4 (MANE Select); coding-DNA position 4968, A replaced by G.
Protein change: p.Pro1656=; no amino-acid change (proline 1656 retained).
Molecular consequence: synonymous variant.
Genome position (GRCh38, 1-based): chr15:93,020,073, A>G. VCF-style: chr15-93020073-A-G. GRCh37 (hg19) VCF-style: chr15-93563303-A-G.
Identifiers: ClinVar variation 508908 (VCV000508908.11), dbSNP rs909107415, ClinGen allele CA274888365.